The following is an entry in ClinVar:

NM_020297.4(ABCC9):c.680C>T (p.Thr227Ile)

Gene: ABCC9 (ATP binding cassette subfamily C member 9; minus strand). Cytogenetic location: 12p12.1.
Variant type: single nucleotide variant.
Coding change: c.680C>T on transcript NM_020297.4 (MANE Select); coding-DNA position 680, C replaced by T.
Protein change: p.Thr227Ile; replaces threonine 227 with isoleucine.
Molecular consequence: missense variant. On other transcripts: intron variant (1).
Genome position (GRCh38, 1-based): chr12:21,915,804, G>A on the plus strand (C>T on the coding strand, the complement: ABCC9 is on the minus strand). VCF-style: chr12-21915804-G-A. GRCh37 (hg19) VCF-style: chr12-22068738-G-A.
Other names: c.680C>T, p.Thr227Ile (NM_001377273.1, NM_005691.4); c.-48-2738C>T (NM_001377274.1); short protein forms T227I.
Identifiers: ClinVar variation 855395 (VCV000855395.9), dbSNP rs1948579703, ClinGen allele CA384124284.
Genomic context (GRCh38, chr12:21,915,804, plus strand): 5'-GCCTTCAGATCAATAGGCTTTTTGTGAGCAGATATAATAAGTGTGTTCATCCACCAGTAT[G>A]TTGCTTTTGACAGCAAATTCACAAATGGTTGAAGAAATCTCACTCCCAGATCCTGGAGGT-3'
Protein context (NP_064693.2, residues 217-237): QPFVNLLSKA[Thr227Ile]YWWMNTLIIS

ClinVar aggregate classification (germline): Uncertain significance (1 of 4 stars; one submission).

Conditions:
Dilated cardiomyopathy 1O (CMD1O). Also called: CARDIOMYOPATHY, DILATED, WITH VENTRICULAR TACHYCARDIA. Identifiers: Orphanet 154, MedGen C1837839, MONDO:0012062, OMIM 608569.

Submission:

Labcorp Genetics (formerly Invitae), Labcorp
Classification: Uncertain significance for Dilated cardiomyopathy 1O. Last evaluated: 2019-01-20. Review status: criteria provided, single submitter. Criteria: Invitae Variant Classification Sherloc (09022015). Collection method: clinical testing. Allele origin: germline.
Comment: This variant has not been reported in the literature in individuals with ABCC9-related conditions. Algorithms developed to predict the effect of missense changes on protein structure and function are either unavailable or do not agree on the potential impact of this missense change (SIFT: "Deleterious"; PolyPhen-2: "Possibly Damaging"; Align-GVGD: "Class C0"). In summary, the available evidence is currently insufficient to determine the role of this variant in disease. Therefore, it has been classified as a Variant of Uncertain Significance. This variant is not present in population databases (ExAC no frequency). This sequence change replaces threonine with isoleucine at codon 227 of the ABCC9 protein (p.Thr227Ile). The threonine residue is highly conserved and there is a moderate physicochemical difference between threonine and isoleucine.